The following is an entry in ClinVar:

NM_001394755.1(TBKBP1):c.1569G>C (p.Glu523Asp)

Gene: TBKBP1 (TBK1 binding protein 1; plus strand). Cytogenetic location: 17q21.32.
Variant type: single nucleotide variant.
Coding change: c.1569G>C on transcript NM_001394755.1 (MANE Select); coding-DNA position 1569, G replaced by C.
Protein change: p.Glu523Asp; replaces glutamic acid 523 with aspartic acid.
Molecular consequence: missense variant.
Genome position (GRCh38, 1-based): chr17:47,709,302, G>C. VCF-style: chr17-47709302-G-C. GRCh37 (hg19) VCF-style: chr17-45786668-G-C.
Other names: c.1569G>C, p.Glu523Asp (NM_001394756.1, NM_014726.2); short protein forms E523D.
Identifiers: ClinVar variation 3324787 (VCV003324787.2).

ClinVar aggregate classification (germline): Uncertain significance (1 of 4 stars; one submission).

gnomAD v4.1: 4 of 1,529,244 alleles (0.00026%); highest among the groups gnomAD compares: Admixed American, 0.0039%; no homozygotes.

Submission:

Ambry Genetics
Classification: Uncertain significance. Last evaluated: 2026-05-13. Review status: criteria provided, single submitter. Criteria: Ambry Variant Classification Scheme 2023. Collection method: clinical testing. Allele origin: germline.
Comment: The c.1569G>C (p.E523D) alteration is located in exon 8 (coding exon 8) of the TBKBP1 gene. This alteration results from a G to C substitution at nucleotide position 1569, causing the glutamic acid (E) at amino acid position 523 to be replaced by an aspartic acid (D). Based on data from gnomAD, the C allele has an overall frequency of 0.002% (2/128232) total alleles studied. The highest observed frequency was 0.013% (1/7816) of Ashkenazi Jewish alleles. Based on insufficient or conflicting evidence, the clinical significance of this alteration remains unclear.